The following is an entry in ClinVar:

ClinVar aggregate classification (germline): Pathogenic (1 of 4 stars; one submission).

Conditions:
Hereditary cancer-predisposing syndrome. Also called: Hereditary Cancer Syndrome; Hereditary neoplastic syndrome; Neoplastic Syndromes, Hereditary; Tumor predisposition. Identifiers: Orphanet 140162, MedGen C0027672, MeSH D009386, MONDO:0015356.

Submission:

Ambry Genetics
Classification: Pathogenic for Hereditary cancer-predisposing syndrome. Last evaluated: 2025-03-18. Review status: criteria provided, single submitter. Criteria: Ambry Variant Classification Scheme 2023. Collection method: clinical testing. Allele origin: germline.
Comment: The c.5525C>G (p.S1842*) alteration, located in exon 16 (coding exon 15) of the APC gene, consists of a C to G substitution at nucleotide position 5525. This changes the amino acid from a serine (S) to a stop codon at amino acid position 1842. This alteration is expected to result in loss of function by premature protein truncation or nonsense-mediated mRNA decay. This variant was not reported in population-based cohorts in the Genome Aggregation Database (gnomAD). Based on the available evidence, this alteration is classified as pathogenic.

NM_000038.6(APC):c.5525C>G (p.Ser1842Ter)

Gene: APC (APC regulator of Wnt signaling pathway; plus strand). Cytogenetic location: 5q22.2.
Variant type: single nucleotide variant.
Coding change: c.5525C>G on transcript NM_000038.6 (MANE Select); coding-DNA position 5525, C replaced by G.
Protein change: p.Ser1842Ter; replaces serine 1842 with a stop codon.
Molecular consequence: nonsense.
Genome position (GRCh38, 1-based): chr5:112,841,119, C>G. VCF-style: chr5-112841119-C-G. GRCh37 (hg19) VCF-style: chr5-112176816-C-G.
Other names: c.5525C>G, p.Ser1842Ter (NM_001127510.3, NM_001354895.2, NM_001407450.1); c.5471C>G, p.Ser1824Ter (NM_001127511.3); c.5579C>G, p.Ser1860Ter (NM_001354896.2, NM_001407447.1, NM_001407448.1 and 1 more transcripts); c.5555C>G, p.Ser1852Ter (NM_001354897.2); c.5450C>G, p.Ser1817Ter (NM_001354898.2); c.5441C>G, p.Ser1814Ter (NM_001354899.2); c.5402C>G, p.Ser1801Ter (NM_001354900.2); c.5348C>G, p.Ser1783Ter (NM_001354901.2, NM_001407453.1); and 11 more; short protein forms S1716*, S1759*, S1852*, S1458*, S1559*, S1682*, S1741*, S1783*.
Identifiers: ClinVar variation 1748091 (VCV001748091.3), dbSNP rs2149942405, ClinGen allele CA16033421.